The following is an entry in ClinVar:

ClinVar aggregate classification (germline): Uncertain significance (1 of 4 stars; one submission).

gnomAD v4.1: 42 of 1,613,784 alleles (0.0026%); highest among the groups gnomAD compares: East Asian, 0.029%; no homozygotes.

Submission:

Labcorp Genetics (formerly Invitae), Labcorp
Classification: Uncertain significance. Last evaluated: 2025-07-31. Review status: criteria provided, single submitter. Criteria: Invitae Variant Classification Sherloc (09022015). Collection method: clinical testing. Allele origin: germline.
Comment: This sequence change replaces valine, which is neutral and non-polar, with methionine, which is neutral and non-polar, at codon 237 of the NYNRIN protein (p.Val237Met). This variant is present in population databases (rs779532173, gnomAD 0.07%), and has an allele count higher than expected for a pathogenic variant. This variant has not been reported in the literature in individuals affected with NYNRIN-related conditions. An algorithm developed to predict the effect of missense changes on protein structure and function outputs the following: PolyPhen-2: "Not Available". The methionine amino acid residue is found in multiple mammalian species, which suggests that this missense change does not adversely affect protein function. In summary, the available evidence is currently insufficient to determine the role of this variant in disease. Therefore, it has been classified as a Variant of Uncertain Significance.

NM_025081.3(NYNRIN):c.709G>A (p.Val237Met)

Gene: NYNRIN (NYN domain and retroviral integrase containing; plus strand). Cytogenetic location: 14q12.
Variant type: single nucleotide variant.
Coding change: c.709G>A on transcript NM_025081.3 (MANE Select); coding-DNA position 709, G replaced by A.
Protein change: p.Val237Met; replaces valine 237 with methionine.
Molecular consequence: missense variant.
Genome position (GRCh38, 1-based): chr14:24,408,379, G>A. VCF-style: chr14-24408379-G-A. GRCh37 (hg19) VCF-style: chr14-24877585-G-A.
Other names: short protein forms V237M.
Identifiers: ClinVar variation 4752415 (VCV004752415.1).